The following is an entry in ClinVar:

NM_024989.4(PGAP1):c.2607_2610dup (p.Thr871fs)

Gene: PGAP1 (post-GPI attachment to proteins inositol deacylase 1; minus strand). Cytogenetic location: 2q33.1.
Variant type: Duplication.
Coding change: c.2607_2610dup on transcript NM_024989.4 (MANE Select); coding-DNA positions 2607 to 2610, 4 bases duplicated (TTAC; older notation c.2607_2610dupTTAC).
Protein change: p.Thr871fs; shifts the reading frame from threonine 871.
Molecular consequence: frameshift variant.
Genome position (GRCh38, 1-based): chr2:196,842,741-196,842,744, GTAA duplicated on the plus strand (TTAC on the coding strand, the reverse complement: PGAP1 is on the minus strand); duplicating any 4 consecutive bases within chr2:196,842,741-196,842,747 gives the same sequence; the c. name uses the placement nearest the transcript's 3' end. VCF-style (leftmost placement, unchanged base first): chr2-196842740-T-TGTAA. GRCh37 (hg19) VCF-style: chr2-197707464-T-TGTAA.
Other names: c.2085_2088dup, p.Thr697fs (NM_001321099.2); c.1440_1443dup, p.Thr482fs (NM_001321100.2); short protein forms T482fs, T871fs, T697fs.
Identifiers: ClinVar variation 946366 (VCV000946366.8), dbSNP rs1700449009, ClinGen allele CA1139657587.

ClinVar aggregate classification (germline): Uncertain significance (1 of 4 stars; one submission).

Conditions:
Intellectual disability, autosomal recessive 42 (NEDDSBA). Also called: GLYCOSYLPHOSPHATIDYLINOSITOL BIOSYNTHESIS DEFECT 9; Neurodevelopmental disorder with dysmorphic features, spasticity, and brain abnormalities. Identifiers: Orphanet 88616, MedGen C4014343, MONDO:0014348, OMIM 615802.

Submission:

Labcorp Genetics (formerly Invitae), Labcorp
Classification: Uncertain significance for Intellectual disability, autosomal recessive 42. Last evaluated: 2022-01-14. Review status: criteria provided, single submitter. Criteria: Invitae Variant Classification Sherloc (09022015). Collection method: clinical testing. Allele origin: germline.
Comment: In summary, the available evidence is currently insufficient to determine the role of this variant in disease. Therefore, it has been classified as a Variant of Uncertain Significance. ClinVar contains an entry for this variant (Variation ID: 946366). This variant has not been reported in the literature in individuals affected with PGAP1-related conditions. This variant is not present in population databases (gnomAD no frequency). This sequence change creates a premature translational stop signal (p.Thr871Leufs*9) in the PGAP1 gene. While this is not anticipated to result in nonsense mediated decay, it is expected to disrupt the last 52 amino acid(s) of the PGAP1 protein.